The following is an entry in ClinVar:

NM_006158.5(NEFL):c.65C>T (p.Pro22Leu)

Gene: NEFL (neurofilament light chain; minus strand). Cytogenetic location: 8p21.2.
Variant type: single nucleotide variant.
Coding change: c.65C>T on transcript NM_006158.5 (MANE Select); coding-DNA position 65, C replaced by T.
Protein change: p.Pro22Leu; replaces proline 22 with leucine.
Molecular consequence: missense variant.
Genome position (GRCh38, 1-based): chr8:24,956,451, G>A on the plus strand (C>T on the coding strand, the complement: NEFL is on the minus strand). VCF-style: chr8-24956451-G-A. GRCh37 (hg19) VCF-style: chr8-24813965-G-A.
Other names: short protein forms P22L.
Identifiers: ClinVar variation 1275783 (VCV001275783.7), dbSNP rs267607538, ClinGen allele CA370624142.

ClinVar aggregate classification (germline): Conflicting classifications of pathogenicity. Review status: criteria provided, conflicting classifications (1 of 4 stars). 2 submissions from 2 submitters: Likely pathogenic (1); Uncertain significance (1). Last evaluated 2022-03-12.

Conditions:
Charcot-Marie-Tooth disease type 2E (CMT2E). Also called: CHARCOT-MARIE-TOOTH DISEASE, AXONAL, TYPE 2E; CHARCOT-MARIE-TOOTH NEUROPATHY, TYPE 2E. Identifiers: Orphanet 99939, MedGen C1843225, MONDO:0011894, OMIM 607684.

Submissions (2):

Labcorp Genetics (formerly Invitae), Labcorp
Classification: Uncertain significance for Charcot-Marie-Tooth disease type 2E. Last evaluated: 2022-03-12. Review status: criteria provided, single submitter. Criteria: Invitae Variant Classification Sherloc (09022015). Collection method: clinical testing. Allele origin: germline.
Comment: Experimental studies and prediction algorithms are not available or were not evaluated, and the functional significance of this variant is currently unknown. ClinVar contains an entry for this variant (Variation ID: 1275783). This missense change has been observed in individual(s) with autosomal dominant Charcot-Marie-Tooth disease (PMID: 31827005). This variant is not present in population databases (gnomAD no frequency). This sequence change replaces proline, which is neutral and non-polar, with leucine, which is neutral and non-polar, at codon 22 of the NEFL protein (p.Pro22Leu). In summary, the available evidence is currently insufficient to determine the role of this variant in disease. Therefore, it has been classified as a Variant of Uncertain Significance.

Institute of Medical Genetics and Applied Genomics, University Hospital Tübingen
Classification: Likely pathogenic. Last evaluated: 2021-09-15. Review status: criteria provided, single submitter. Criteria: ACMG Guidelines, 2015. Collection method: clinical testing. Allele origin: germline. Inheritance: Autosomal dominant inheritance. Affected: yes.

Literature cited by the submitters: PubMed 31827005 (cited by Labcorp Genetics (formerly Invitae), Labcorp).